The following is an entry in ClinVar:

ClinVar aggregate classification (germline): Pathogenic. Review status: criteria provided, single submitter (1 of 4 stars). 2 submissions from 1 submitter: Pathogenic (2). Last evaluated 2023-11-21.

Conditions:
Epilepsy, childhood absence 4 (ECA4). Also called: EPILEPSY, CHILDHOOD ABSENCE, SUSCEPTIBILITY TO, 4. Identifiers: Orphanet 307, MedGen C1970160.
Idiopathic generalized epilepsy. Also called: Generalised epilepsy; EIG. Identifiers: MedGen C0270850, MONDO:0005579, OMIM 600669.
Epilepsy, idiopathic generalized, susceptibility to, 13. Also called: EPILEPSY, JUVENILE MYOCLONIC, SUSCEPTIBILITY TO, 5. Identifiers: Orphanet 307, Orphanet 64280, MedGen C4013473, MONDO:0012627, OMIM 611136.
Febrile seizures, familial, 8 (FEB8). Also called: CONVULSIONS, FAMILIAL FEBRILE, 8. Identifiers: Orphanet 36387, MedGen C1969810, MONDO:0011891, OMIM 607681.
EPILEPSY, CHILDHOOD ABSENCE, SUSCEPTIBILITY TO, 2 (ECA2). Identifiers: Orphanet 64280, MedGen C1843244, OMIM 607681.

Submissions (2):

Labcorp Genetics (formerly Invitae), Labcorp
Classification: Pathogenic for Febrile seizures, familial, 8; EPILEPSY, CHILDHOOD ABSENCE, SUSCEPTIBILITY TO, 2. Last evaluated: 2023-11-21. Review status: criteria provided, single submitter. Criteria: Invitae Variant Classification Sherloc (09022015). Collection method: clinical testing. Allele origin: unknown.
Comment: A gross deletion of the genomic region encompassing the full coding sequence of the GABRG2 gene has been identified. Loss-of-function variants in GABRG2 are known to be pathogenic (PMID: 22539854, 22750526, 24407264). The boundaries of this event are unknown as they extend beyond the assayed region for this gene and therefore may encompass additional genes. Isolated whole-gene deletions of GABRG2 have not been reported in the literature. However, larger copy number events that include this gene have been reported (PMID: 22190369, 24811917, 31471553). For these reasons, this variant has been classified as Pathogenic.

Labcorp Genetics (formerly Invitae), Labcorp
Classification: Pathogenic for Epilepsy, childhood absence 4; Epilepsy, idiopathic generalized, susceptibility to, 13; Idiopathic generalized epilepsy. Last evaluated: 2023-11-21. Review status: criteria provided, single submitter. Criteria: Invitae Variant Classification Sherloc (09022015). Collection method: clinical testing. Allele origin: unknown.
Comment: A gross deletion of the genomic region encompassing the full coding sequence of the GABRA1 gene has been identified. Loss-of-function variants in GABRA1 are known to be pathogenic (PMID: 16718694). The boundaries of this event are unknown as they extend beyond the assayed region for this gene and therefore may encompass additional genes. Isolated whole-gene deletions of GABRA1 have not been reported in the literature. However, larger copy number events that include this gene have been reported (PMID: 22190369, 24811917). For these reasons, this variant has been classified as Pathogenic.

Literature cited by the submitters: PubMed 22539854; PubMed 22750526; PubMed 24407264; PubMed 22190369; PubMed 24811917; PubMed 31471553; PubMed 16718694.

NC_000005.9:g.(?_161277817)_(161580374_?)del

Genes: GABRG2 (gamma-aminobutyric acid type A receptor subunit gamma2; plus strand), GABRA1 (gamma-aminobutyric acid type A receptor subunit alpha1; plus strand). Cytogenetic location: 5q34.
Variant type: Deletion.
Identifiers: ClinVar variation 3246364 (VCV003246364.1).